The following is an entry in ClinVar:

ClinVar aggregate classification (germline): Uncertain significance (1 of 4 stars; one submission).

Submission:

Labcorp Genetics (formerly Invitae), Labcorp
Classification: Uncertain significance. Last evaluated: 2025-02-13. Review status: criteria provided, single submitter. Criteria: Invitae Variant Classification Sherloc (09022015). Collection method: clinical testing. Allele origin: germline.
Comment: This sequence change replaces glycine, which is neutral and non-polar, with serine, which is neutral and polar, at codon 282 of the NFE2L2 protein (p.Gly282Ser). This variant is not present in population databases (gnomAD no frequency). This variant has not been reported in the literature in individuals affected with NFE2L2-related conditions. Invitae Evidence Modeling of protein sequence and biophysical properties (such as structural, functional, and spatial information, amino acid conservation, physicochemical variation, residue mobility, and thermodynamic stability) indicates that this missense variant is not expected to disrupt NFE2L2 protein function with a negative predictive value of 80%. In summary, the available evidence is currently insufficient to determine the role of this variant in disease. Therefore, it has been classified as a Variant of Uncertain Significance.

NM_006164.5(NFE2L2):c.844G>A (p.Gly282Ser)

Gene: NFE2L2 (NFE2 like bZIP transcription factor 2; minus strand). Cytogenetic location: 2q31.2.
Variant type: single nucleotide variant.
Coding change: c.844G>A on transcript NM_006164.5 (MANE Select); coding-DNA position 844, G replaced by A.
Protein change: p.Gly282Ser; replaces glycine 282 with serine.
Molecular consequence: missense variant.
Genome position (GRCh38, 1-based): chr2:177,231,759, C>T on the plus strand (G>A on the coding strand, the complement: NFE2L2 is on the minus strand). VCF-style: chr2-177231759-C-T. GRCh37 (hg19) VCF-style: chr2-178096487-C-T.
Other names: c.796G>A, p.Gly266Ser (NM_001145412.3, NM_001313900.1, NM_001313901.1); c.775G>A, p.Gly259Ser (NM_001145413.3); c.754G>A, p.Gly252Ser (NM_001313902.2); c.625G>A, p.Gly209Ser (NM_001313903.2); c.544G>A, p.Gly182Ser (NM_001313904.1); short protein forms G209S, G266S, G259S, G252S, G282S, G182S.
Identifiers: ClinVar variation 4735603 (VCV004735603.1).
Genomic context (GRCh38, chr2:177,231,759, plus strand): 5'-GTGAGGGCATGCTGTTGCTGATACTGGGCTCAGCTATGAAAGCAGAATAAAATTCATCAC[C>T]AAAATCTGTGTTGACTGTGGCATCTGAATTTAATGAGTTCACTGTCAACTGGTTGGGGTC-3'
Protein context (NP_006155.2, residues 272-292): NSDATVNTDF[Gly282Ser]DEFYSAFIAE